The following is an entry in ClinVar:

NM_000059.4(BRCA2):c.2560A>C (p.Asn854His)

Gene: BRCA2 (BRCA2 DNA repair associated; plus strand). Cytogenetic location: 13q13.1.
Variant type: single nucleotide variant.
Coding change: c.2560A>C on transcript NM_000059.4 (MANE Select); coding-DNA position 2560, A replaced by C.
Protein change: p.Asn854His; replaces asparagine 854 with histidine.
Molecular consequence: missense variant. On other transcripts: non-coding transcript variant (1), intron variant (2).
Genome position (GRCh38, 1-based): chr13:32,336,915, A>C. VCF-style: chr13-32336915-A-C. GRCh37 (hg19) VCF-style: chr13-32911052-A-C.
Other names: c.2560A>C, p.Asn854His (NM_001406719.1, NM_001406720.1, NM_001432077.1); c.1909+3528A>C (NM_001406721.1); c.424+5885A>C (NM_001406722.1); short protein forms N854H.
Identifiers: ClinVar variation 5033279 (VCV005033279.1).

ClinVar aggregate classification (germline): Uncertain significance (1 of 4 stars; one submission).

Conditions:
Hereditary cancer-predisposing syndrome. Also called: Neoplastic Syndromes, Hereditary; Tumor predisposition; Hereditary neoplastic syndrome; Hereditary Cancer Syndrome. Identifiers: Orphanet 140162, MedGen C0027672, MeSH D009386, MONDO:0015356.

Submission:

Ambry Genetics
Classification: Uncertain significance for Hereditary cancer-predisposing syndrome. Last evaluated: 2026-07-06. Review status: criteria provided, single submitter. Criteria: Ambry Variant Classification Scheme 2023. Collection method: clinical testing. Allele origin: germline.
Comment: The p.N854H variant (also known as c.2560A>C), located in coding exon 10 of the BRCA2 gene, results from an A to C substitution at nucleotide position 2560. The asparagine at codon 854 is replaced by histidine, an amino acid with similar properties. This amino acid position is conserved. In addition, this alteration is predicted to be tolerated by in silico analysis. Based on the available evidence, the clinical significance of this variant remains unclear.